The following is an entry in ClinVar:

ClinVar aggregate classification (germline): Uncertain significance (1 of 4 stars; one submission).

Allele frequency attached by ClinVar (database versions not stated): gnomAD exomes 0.00001.
gnomAD v4.1: 17 of 1,613,632 alleles (0.0011%); highest among the groups gnomAD compares: Admixed American, 0.0017%; no homozygotes.

Submission:

Labcorp Genetics (formerly Invitae), Labcorp
Classification: Uncertain significance. Last evaluated: 2023-02-04. Review status: criteria provided, single submitter. Criteria: Invitae Variant Classification Sherloc (09022015). Collection method: clinical testing. Allele origin: germline.
Comment: In summary, the available evidence is currently insufficient to determine the role of this variant in disease. Therefore, it has been classified as a Variant of Uncertain Significance. Algorithms developed to predict the effect of missense changes on protein structure and function are either unavailable or do not agree on the potential impact of this missense change (SIFT: "Deleterious"; PolyPhen-2: "Possibly Damaging"; Align-GVGD: "Class C0"). This variant has not been reported in the literature in individuals affected with DIAPH3-related conditions. This variant is present in population databases (no rsID available, gnomAD 0.003%). This sequence change replaces glutamic acid, which is acidic and polar, with glycine, which is neutral and non-polar, at codon 190 of the DIAPH3 protein (p.Glu190Gly).

NM_001042517.2(DIAPH3):c.569A>G (p.Glu190Gly)

Genes: DIAPH3 (diaphanous related formin 3; minus strand), DIAPH3-AS1 (DIAPH3 antisense RNA 1; plus strand). Cytogenetic location: 13q21.2.
Variant type: single nucleotide variant.
Coding change: c.569A>G on transcript NM_001042517.2 (MANE Select); coding-DNA position 569, A replaced by G.
Protein change: p.Glu190Gly; replaces glutamic acid 190 with glycine.
Molecular consequence: missense variant. On other transcripts: non-coding transcript variant (4).
Genome position (GRCh38, 1-based): chr13:60,042,747, T>C on the plus strand (A>G on the coding strand, the complement: DIAPH3 is on the minus strand). VCF-style: chr13-60042747-T-C. GRCh37 (hg19) VCF-style: chr13-60616881-T-C.
Other names: c.536A>G, p.Glu179Gly (NM_001258366.2); c.431A>G, p.Glu144Gly (NM_001258367.2); c.359A>G, p.Glu120Gly (NM_001258368.2); c.569A>G, p.Glu190Gly (NM_001258369.2); short protein forms E190G, E144G, E120G, E179G.
Identifiers: ClinVar variation 2776600 (VCV002776600.3), dbSNP rs376891394, ClinGen allele CA250970682.